The following is an entry in ClinVar:

ClinVar aggregate classification (germline): Conflicting classifications of pathogenicity. Review status: criteria provided, conflicting classifications (1 of 4 stars). 3 submissions from 3 submitters: Uncertain significance (1); Likely benign (2). Last evaluated 2026-02-01.

Conditions:
Hereditary cancer-predisposing syndrome. Also called: Tumor predisposition; Neoplastic Syndromes, Hereditary; Hereditary Cancer Syndrome; Hereditary neoplastic syndrome. Identifiers: Orphanet 140162, MedGen C0027672, MeSH D009386, MONDO:0015356.
Tietz syndrome (TADS). Also called: ALBINISM-DEAFNESS OF TIETZ; TIETZ ALBINISM-DEAFNESS SYNDROME; HYPOPIGMENTATION/DEAFNESS OF TIETZ. Identifiers: Orphanet 42665, MedGen C0391816, MONDO:0007077, OMIM 103500.
Waardenburg syndrome type 2A (WS2A). Also called: WAARDENBURG SYNDROME WITHOUT DYSTOPIA CANTHORUM. Identifiers: Orphanet 3440, MedGen C1860339, MONDO:0008671, OMIM 193510.
Melanoma, cutaneous malignant, susceptibility to, 8. Also called: MELANOMA AND RENAL CELL CARCINOMA, SUSCEPTIBILITY TO; Cutaneous malignant melanoma 8. Identifiers: Orphanet 293822, MedGen C3152204, MONDO:0013759, OMIM 614456.

Allele frequency attached by ClinVar (database versions not stated): gnomAD exomes below 0.00001; gnomAD 0.00001; TOPMed 0.00004.
gnomAD v4.1: 3 of 1,614,060 alleles (0.00019%); highest among the groups gnomAD compares: African/African-American, 0.004%; no homozygotes.

Submissions (3):

Labcorp Genetics (formerly Invitae), Labcorp
Classification: Likely benign for Melanoma, cutaneous malignant, susceptibility to, 8; Waardenburg syndrome type 2A; Tietz syndrome. Last evaluated: 2026-02-01. Review status: criteria provided, single submitter. Criteria: Invitae Variant Classification Sherloc (09022015). Collection method: clinical testing. Allele origin: germline.

Ambry Genetics
Classification: Likely benign for Hereditary cancer-predisposing syndrome. Last evaluated: 2024-12-20. Review status: criteria provided, single submitter. Criteria: Ambry Variant Classification Scheme 2023. Collection method: clinical testing. Allele origin: germline.

GeneDx
Classification: Uncertain significance. Last evaluated: 2024-03-12. Review status: criteria provided, single submitter. Criteria: GeneDx Variant Classification Process June 2021. Collection method: clinical testing. Allele origin: germline. Affected: yes.
Comment: Not observed at significant frequency in large population cohorts (gnomAD); In silico analysis supports that this variant does not alter splicing; Has not been previously published as pathogenic or benign to our knowledge

NM_001354604.2(MITF):c.471C>T (p.Ser157=)

Gene: MITF (melanocyte inducing transcription factor; plus strand). Cytogenetic location: 3p13.
Variant type: single nucleotide variant.
Coding change: c.471C>T on transcript NM_001354604.2 (MANE Select); coding-DNA position 471, C replaced by T.
Protein change: p.Ser157=; no amino-acid change (serine 157 retained).
Molecular consequence: synonymous variant. On other transcripts: intron variant (1).
Genome position (GRCh38, 1-based): chr3:69,937,938, C>T. VCF-style: chr3-69937938-C-T. GRCh37 (hg19) VCF-style: chr3-69987089-C-T.
Other names: c.150C>T, p.Ser50= (NM_000248.4, NM_001184968.2, NM_198158.3); c.315C>T, p.Ser105= (NM_001184967.2, NM_001354608.2); c.468C>T, p.Ser156= (NM_001354605.2, NM_001354606.2, NM_006722.3); c.420C>T, p.Ser140= (NM_001354607.2); c.471C>T, p.Ser157= (NM_198159.3); c.423C>T, p.Ser141= (NM_198177.3); c.93+57C>T (NM_198178.3).
Identifiers: ClinVar variation 1300901 (VCV001300901.7), dbSNP rs953396864, ClinGen allele CA77000566.